The following is an entry in ClinVar:

ClinVar aggregate classification (germline): Uncertain significance. Review status: criteria provided, multiple submitters, no conflicts (2 of 4 stars). 2 submissions from 2 submitters: Uncertain significance (2). Last evaluated 2026-01-25.

Conditions:
Hereditary cancer-predisposing syndrome. Also called: Neoplastic Syndromes, Hereditary; Hereditary Cancer Syndrome; Tumor predisposition; Hereditary neoplastic syndrome. Identifiers: Orphanet 140162, MedGen C0027672, MeSH D009386, MONDO:0015356.
Familial adenomatous polyposis 1 (FAP1). Also called: FAMILIAL ADENOMATOUS POLYPOSIS 1, ATTENUATED; POLYPOSIS, ADENOMATOUS INTESTINAL. Identifiers: MedGen C2713442, MONDO:0021056, OMIM 175100. Disease mechanism: loss of function.

Submissions (2):

Labcorp Genetics (formerly Invitae), Labcorp
Classification: Uncertain significance for Familial adenomatous polyposis 1. Last evaluated: 2026-01-25. Review status: criteria provided, single submitter. Criteria: Invitae Variant Classification Sherloc (09022015). Collection method: clinical testing. Allele origin: germline.
Comment: This sequence change replaces leucine, which is neutral and non-polar, with isoleucine, which is neutral and non-polar, at codon 2317 of the APC protein (p.Leu2317Ile). This variant is not present in population databases (gnomAD no frequency). This variant has not been reported in the literature in individuals affected with APC-related conditions. ClinVar contains an entry for this variant (Variation ID: 1475624). Invitae Evidence Modeling of protein sequence and biophysical properties (such as structural, functional, and spatial information, amino acid conservation, physicochemical variation, residue mobility, and thermodynamic stability) indicates that this missense variant is not expected to disrupt APC protein function with a negative predictive value of 95%. In summary, the available evidence is currently insufficient to determine the role of this variant in disease. Therefore, it has been classified as a Variant of Uncertain Significance.

Ambry Genetics
Classification: Uncertain significance for Hereditary cancer-predisposing syndrome. Last evaluated: 2021-03-04. Review status: criteria provided, single submitter. Criteria: Ambry Variant Classification Scheme 2023. Collection method: clinical testing. Allele origin: germline.
Comment: The p.L2317I variant (also known as c.6949T>A), located in coding exon 15 of the APC gene, results from a T to A substitution at nucleotide position 6949. The leucine at codon 2317 is replaced by isoleucine, an amino acid with highly similar properties. This amino acid position is well conserved in available vertebrate species. In addition, in silico predictors for this gene do not accurately predict pathogenicity. Since supporting evidence is limited at this time, the clinical significance of this alteration remains unclear.

NM_000038.6(APC):c.6949T>A (p.Leu2317Ile)

Gene: APC (APC regulator of Wnt signaling pathway; plus strand). Cytogenetic location: 5q22.2.
Variant type: single nucleotide variant.
Coding change: c.6949T>A on transcript NM_000038.6 (MANE Select); coding-DNA position 6949, T replaced by A.
Protein change: p.Leu2317Ile; replaces leucine 2317 with isoleucine.
Molecular consequence: missense variant.
Genome position (GRCh38, 1-based): chr5:112,842,543, T>A. VCF-style: chr5-112842543-T-A. GRCh37 (hg19) VCF-style: chr5-112178240-T-A.
Other names: c.6949T>A, p.Leu2317Ile (NM_001127510.3, NM_001354895.2); c.6895T>A, p.Leu2299Ile (NM_001127511.3); c.7003T>A, p.Leu2335Ile (NM_001354896.2); c.6979T>A, p.Leu2327Ile (NM_001354897.2); c.6874T>A, p.Leu2292Ile (NM_001354898.2); c.6865T>A, p.Leu2289Ile (NM_001354899.2); c.6826T>A, p.Leu2276Ile (NM_001354900.2); c.6772T>A, p.Leu2258Ile (NM_001354901.2); and 5 more; short protein forms L2226I, L2276I, L2299I, L2157I, L2191I, L2292I, L2216I, L2317I.
Identifiers: ClinVar variation 1475624 (VCV001475624.8), dbSNP rs1766340229, ClinGen allele CA16036487.